The following is an entry in ClinVar:

ClinVar aggregate classification (germline): Likely benign. Review status: criteria provided, multiple submitters, no conflicts (2 of 4 stars). 2 submissions from 2 submitters: Likely benign (2). Last evaluated 2023-03-22.

Allele frequency attached by ClinVar (database versions not stated): gnomAD 0.00001; TOPMed 0.00001.
gnomAD v4.1: 3 of 1,559,676 alleles (0.00019%); highest among the groups gnomAD compares: African/African-American, 0.0014%; no homozygotes.

Submissions (2):

Labcorp Genetics (formerly Invitae), Labcorp
Classification: Likely benign. Last evaluated: 2023-03-22. Review status: criteria provided, single submitter. Criteria: Invitae Variant Classification Sherloc (09022015). Collection method: clinical testing. Allele origin: germline.

Laboratory for Molecular Medicine, Mass General Brigham Personalized Medicine
Classification: Likely benign. Last evaluated: 2016-12-13. Review status: criteria provided, single submitter. Criteria: LMM Criteria. Collection method: clinical testing. Allele origin: germline. Observed: 1 variant allele.
Comment: c.Arg1136Arg in exon 29 of CDH23: This variant is not expected to have clinical significance because it does not alter an amino acid residue and it is not withi n the splice consensus sequence.

NM_022124.6(CDH23):c.3408T>A (p.Arg1136=)

Genes: C10orf105 (chromosome 10 open reading frame 105; minus strand), CDH23 (cadherin related 23; plus strand). Cytogenetic location: 10q22.1.
Variant type: single nucleotide variant.
Coding change: c.3408T>A on transcript NM_022124.6 (MANE Select); coding-DNA position 3408, T replaced by A.
Protein change: p.Arg1136=; no amino-acid change (arginine 1136 retained).
Molecular consequence: synonymous variant. On other transcripts: intron variant (1).
Genome position (GRCh38, 1-based): chr10:71,724,083, T>A. VCF-style: chr10-71724083-T-A. GRCh37 (hg19) VCF-style: chr10-73483840-T-A.
Other names: c.3408T>A, p.Arg1136= (NM_001171930.2); c.-5-7741A>T (NM_001168390.2).
Identifiers: ClinVar variation 505524 (VCV000505524.13), dbSNP rs1223980355, ClinGen allele CA470066060.
Genomic context (GRCh38, chr10:71,724,083, plus strand): 5'-CTCGTGTCTCATTCTTCCTCAGCTGAAAGCCACGGACGCAGATGAGGGCGAGTTTGGGCG[T>A]GTGTGGTACCGCATCCTCCATGGTAAGTGGGGCTGCCCTAGGATGGGGGGCGGTCCTCCT-3'
Protein context (NP_071407.4, residues 1126-1146): ATDADEGEFG[Arg1136=]VWYRILHGNH